The following is an entry in ClinVar:

ClinVar aggregate classification (germline): Likely benign (1 of 4 stars; one submission).

Submission:

CeGaT Center for Human Genetics Tuebingen
Classification: Likely benign. Last evaluated: 2026-06-01. Review status: criteria provided, single submitter. Criteria: CeGaT Center For Human Genetics Tuebingen Variant Classification Criteria Version 2. Collection method: clinical testing. Allele origin: germline. Affected: yes. Observed: 1 variant allele.
Comment: APPL1: PM2:Supporting, BP4, BP7

NM_012096.3(APPL1):c.453A>C (p.Ser151=)

Gene: APPL1 (adaptor protein, phosphotyrosine interacting with PH domain and leucine zipper 1; plus strand). Cytogenetic location: 3p14.3.
Variant type: single nucleotide variant.
Coding change: c.453A>C on transcript NM_012096.3 (MANE Select); coding-DNA position 453, A replaced by C.
Protein change: p.Ser151=; no amino-acid change (serine 151 retained).
Molecular consequence: synonymous variant.
Genome position (GRCh38, 1-based): chr3:57,242,893, A>C. VCF-style: chr3-57242893-A-C. GRCh37 (hg19) VCF-style: chr3-57276921-A-C.
Identifiers: ClinVar variation 4871983 (VCV004871983.2).